The following is an entry in ClinVar:

NM_005732.4(RAD50):c.2314G>A (p.Glu772Lys)

Gene: RAD50 (RAD50 double strand break repair protein; plus strand). Cytogenetic location: 5q31.1.
Variant type: single nucleotide variant.
Coding change: c.2314G>A on transcript NM_005732.4 (MANE Select); coding-DNA position 2314, G replaced by A.
Protein change: p.Glu772Lys; replaces glutamic acid 772 with lysine.
Molecular consequence: missense variant.
Genome position (GRCh38, 1-based): chr5:132,603,406, G>A. VCF-style: chr5-132603406-G-A. GRCh37 (hg19) VCF-style: chr5-131939098-G-A.
Other names: short protein forms E772K.
Identifiers: ClinVar variation 143022 (VCV000143022.17), dbSNP rs587782899, ClinGen allele CA170041.

ClinVar aggregate classification (germline): Uncertain significance. Review status: criteria provided, multiple submitters, no conflicts (2 of 4 stars). 4 submissions from 4 submitters: Uncertain significance (4). Last evaluated 2025-10-22.

Conditions:
Hereditary cancer-predisposing syndrome. Also called: Hereditary Cancer Syndrome; Neoplastic Syndromes, Hereditary; Hereditary neoplastic syndrome; Tumor predisposition. Identifiers: Orphanet 140162, MedGen C0027672, MeSH D009386, MONDO:0015356.
Nijmegen breakage syndrome-like disorder (NBSLD). Also called: MICROCEPHALY AND SPONTANEOUS CHROMOSOME INSTABILITY WITHOUT IMMUNODEFICIENCY; NBS-LIKE DISORDER; RAD50 DEFICIENCY. Identifiers: Orphanet 240760, MedGen C2751318, MONDO:0013118, OMIM 613078.

Allele frequency attached by ClinVar (database versions not stated): ExAC 0.00001; gnomAD 0.00001; gnomAD exomes 0.00001 and 0.00003; TOPMed 0.00001.
gnomAD v4.1: 47 of 1,613,812 alleles (0.0029%); highest among the groups gnomAD compares: Non-Finnish European, 0.0038%; no homozygotes.

Submissions (4):

Ambry Genetics
Classification: Uncertain significance for Hereditary cancer-predisposing syndrome. Last evaluated: 2025-10-22. Review status: criteria provided, single submitter. Criteria: Ambry Variant Classification Scheme 2023. Collection method: clinical testing. Allele origin: germline.
Comment: The p.E772K variant (also known as c.2314G>A), located in coding exon 14 of the RAD50 gene, results from a G to A substitution at nucleotide position 2314. The glutamic acid at codon 772 is replaced by lysine, an amino acid with similar properties. This amino acid position is highly conserved in available vertebrate species. In addition, this alteration is predicted to be deleterious by in silico analysis. Since supporting evidence is limited at this time, the clinical significance of this alteration remains unclear.

Women's Health and Genetics/Laboratory Corporation of America, LabCorp
Classification: Uncertain significance. Last evaluated: 2024-07-05. Review status: criteria provided, single submitter. Criteria: LabCorp Variant Classification Summary - May 2015. Collection method: clinical testing. Allele origin: germline.

Labcorp Genetics (formerly Invitae), Labcorp
Classification: Uncertain significance for Hereditary cancer-predisposing syndrome. Last evaluated: 2023-11-09. Review status: criteria provided, single submitter. Criteria: Invitae Variant Classification Sherloc (09022015). Collection method: clinical testing. Allele origin: germline.
Comment: This sequence change replaces glutamic acid, which is acidic and polar, with lysine, which is basic and polar, at codon 772 of the RAD50 protein (p.Glu772Lys). This variant is present in population databases (rs587782899, gnomAD 0.003%). This variant has not been reported in the literature in individuals affected with RAD50-related conditions. ClinVar contains an entry for this variant (Variation ID: 143022). Advanced modeling of protein sequence and biophysical properties (such as structural, functional, and spatial information, amino acid conservation, physicochemical variation, residue mobility, and thermodynamic stability) performed at Invitae indicates that this missense variant is not expected to disrupt RAD50 protein function with a negative predictive value of 80%. In summary, the available evidence is currently insufficient to determine the role of this variant in disease. Therefore, it has been classified as a Variant of Uncertain Significance.

Sema4
Classification: Uncertain significance for Nijmegen breakage syndrome-like disorder. Last evaluated: 2021-11-15. Review status: criteria provided, single submitter. Criteria: Sema4 Curation Guidelines. Collection method: curation. Allele origin: germline.
Comment: The RAD50 c.2314G>A (p.E772K) variant has been reported in 4 breast cancer cases in a large dataset of 60,466 women with breast cancer but not in 53,461 controls (PMID 33471991). This variant was observed in 1/34568 chromosomes in the Latino population according to the Genome Aggregation Database (PMID: 32461654). This variant has been reported in ClinVar (Variation ID 143022). Functional studies have not been performed, and in silico predictions of the variant's effect on protein function are inconclusive. The overall evidence is insufficient to meet ACMG/AMP criteria for classifying it as benign or pathogenic. In summary, the clinical significance of this variant is currently uncertain.

Literature cited by the submitters: PubMed 33471991 (cited by Sema4).